The following is an entry in ClinVar:

NM_020821.3(VPS13C):c.3719C>T (p.Ser1240Phe)

Gene: VPS13C (vacuolar protein sorting 13 homolog C; minus strand). Cytogenetic location: 15q22.2.
Variant type: single nucleotide variant.
Coding change: c.3719C>T on transcript NM_020821.3 (MANE Select); coding-DNA position 3719, C replaced by T.
Protein change: p.Ser1240Phe; replaces serine 1240 with phenylalanine.
Molecular consequence: missense variant.
Genome position (GRCh38, 1-based): chr15:61,961,778, G>A on the plus strand (C>T on the coding strand, the complement: VPS13C is on the minus strand). VCF-style: chr15-61961778-G-A. GRCh37 (hg19) VCF-style: chr15-62253977-G-A.
Other names: c.3719C>T, p.Ser1240Phe (NM_001018088.3); c.3590C>T, p.Ser1197Phe (NM_017684.5, NM_018080.4); short protein forms S1197F, S1240F.
Identifiers: ClinVar variation 3358505 (VCV003358505.1).

ClinVar aggregate classification (germline): Uncertain significance (0 of 4 stars; one submission).

Conditions:
VPS13C-related disorder. Also called: VPS13C-related condition.

gnomAD v4.1: 15 of 1,613,926 alleles (0.00093%); highest among the groups gnomAD compares: African/African-American, 0.0027%; no homozygotes.

Submission:

PreventionGenetics, part of Exact Sciences
Classification: Uncertain significance for VPS13C-related condition. Last evaluated: 2024-04-01. Review status: no assertion criteria provided. Collection method: clinical testing. Allele origin: germline.
Comment: The VPS13C c.3719C>T variant is predicted to result in the amino acid substitution p.Ser1240Phe. To our knowledge, this variant has not been reported in the literature. This variant is reported in 0.0040% of alleles in individuals of African descent in gnomAD. At this time, the clinical significance of this variant is uncertain due to the absence of conclusive functional and genetic evidence.